The following is an entry in ClinVar:

NM_025132.4(WDR19):c.2978T>C (p.Met993Thr)

Gene: WDR19 (WD repeat domain 19; plus strand). Cytogenetic location: 4p14.
Variant type: single nucleotide variant.
Coding change: c.2978T>C on transcript NM_025132.4 (MANE Select); coding-DNA position 2978, T replaced by C.
Protein change: p.Met993Thr; replaces methionine 993 with threonine.
Molecular consequence: missense variant.
Genome position (GRCh38, 1-based): chr4:39,254,007, T>C. VCF-style: chr4-39254007-T-C. GRCh37 (hg19) VCF-style: chr4-39255627-T-C.
Other names: c.2498T>C, p.Met833Thr (NM_001317924.2); short protein forms M833T, M993T.
Identifiers: ClinVar variation 1500141 (VCV001500141.8), dbSNP rs750227475, ClinGen allele CA356641944.
Genomic context (GRCh38, chr4:39,254,007, plus strand): 5'-TTCTTGTCATGTCCAAATGCAACAATGAAGCTTTCACACTGGCTCAGCAACACAACAAAA[T>C]GGAAATCTATGCAGATATTATTGGTAAATATCATTTTTTCCCTGGTTCTCTTCAAGATGT-3'
Protein context (NP_079408.3, residues 983-1003): AFTLAQQHNK[Met993Thr]EIYADIIGSE

ClinVar aggregate classification (germline): Uncertain significance (1 of 4 stars; one submission).

Conditions:
Asphyxiating thoracic dystrophy 5 (SRTD5). Also called: SHORT-RIB THORACIC DYSPLASIA 5 WITHOUT POLYDACTYLY; SHORT-RIB THORACIC DYSPLASIA 5 WITH OR WITHOUT POLYDACTYLY. Identifiers: Orphanet 474, MedGen C3280598, MONDO:0013717, OMIM 614376.
Senior-Loken syndrome 8 (SLSN8). Identifiers: Orphanet 3156, MedGen C4225376, MONDO:0014579, OMIM 616307.

Submission:

Labcorp Genetics (formerly Invitae), Labcorp
Classification: Uncertain significance for Senior-Loken syndrome 8; Asphyxiating thoracic dystrophy 5. Last evaluated: 2021-04-25. Review status: criteria provided, single submitter. Criteria: Invitae Variant Classification Sherloc (09022015). Collection method: clinical testing. Allele origin: germline.
Comment: This variant has not been reported in the literature in individuals with WDR19-related conditions. This variant is not present in population databases (ExAC no frequency). Algorithms developed to predict the effect of missense changes on protein structure and function (SIFT, PolyPhen-2, Align-GVGD) all suggest that this variant is likely to be disruptive, but these predictions have not been confirmed by published functional studies and their clinical significance is uncertain. In summary, the available evidence is currently insufficient to determine the role of this variant in disease. Therefore, it has been classified as a Variant of Uncertain Significance. This sequence change replaces methionine with threonine at codon 993 of the WDR19 protein (p.Met993Thr). The methionine residue is highly conserved and there is a moderate physicochemical difference between methionine and threonine.